The following is an entry in ClinVar:

ClinVar aggregate classification (germline): Uncertain significance. Review status: criteria provided, multiple submitters, no conflicts (2 of 4 stars). 2 submissions from 2 submitters: Uncertain significance (2). Last evaluated 2022-03-29.

Conditions:
Inborn genetic diseases. Identifiers: MedGen C0950123, MeSH D030342.

Allele frequency attached by ClinVar (database versions not stated): gnomAD exomes 0.00002; TOPMed 0.00002; ExAC 0.00004.
gnomAD v4.1: 12 of 1,614,246 alleles (0.00074%); highest among the groups gnomAD compares: Admixed American, 0.02%; no homozygotes.

Submissions (2):

Ambry Genetics
Classification: Uncertain significance for Inborn genetic diseases. Last evaluated: 2022-03-29. Review status: criteria provided, single submitter. Criteria: Ambry Variant Classification Scheme 2023. Collection method: clinical testing. Allele origin: germline.

GeneDx
Classification: Uncertain significance. Last evaluated: 2022-02-28. Review status: criteria provided, single submitter. Criteria: GeneDx Variant Classification Process June 2021. Collection method: clinical testing. Allele origin: germline. Affected: yes.
Comment: In silico analysis supports that this missense variant has a deleterious effect on protein structure/function; Has not been previously published as pathogenic or benign to our knowledge

NM_015378.4(VPS13D):c.10376T>C (p.Met3459Thr)

Gene: VPS13D (vacuolar protein sorting 13 homolog D; plus strand). Cytogenetic location: 1p36.22.
Variant type: single nucleotide variant.
Coding change: c.10376T>C on transcript NM_015378.4 (MANE Select); coding-DNA position 10376, T replaced by C.
Protein change: p.Met3459Thr; replaces methionine 3459 with threonine.
Molecular consequence: missense variant.
Genome position (GRCh38, 1-based): chr1:12,363,175, T>C. VCF-style: chr1-12363175-T-C. GRCh37 (hg19) VCF-style: chr1-12423231-T-C.
Other names: c.10301T>C, p.Met3434Thr (NM_018156.4); c.10376T>C (NM_015378.2); short protein forms M3434T, M3459T.
Identifiers: ClinVar variation 1703911 (VCV001703911.5), dbSNP rs756820753, ClinGen allele CA603674.
Genomic context (GRCh38, chr1:12,363,175, plus strand): 5'-CCAGTGTGGTGTTCCACTGGCCTCGGAATGACTATGATCAGCTATTGTGTGTCAGACTGA[T>C]GGACGTTCCCAATTGTATTTGGTCTGGAGGCTTTGAAGTCAACAAGAATAATTCCTTCCA-3'
Protein context (NP_056193.2, residues 3449-3469): DYDQLLCVRL[Met3459Thr]DVPNCIWSGG